The following is an entry in ClinVar:

NM_000399.5(EGR2):c.808A>G (p.Asn270Asp)

Gene: EGR2 (early growth response 2; minus strand). Cytogenetic location: 10q21.3.
Variant type: single nucleotide variant.
Coding change: c.808A>G on transcript NM_000399.5 (MANE Select); coding-DNA position 808, A replaced by G.
Protein change: p.Asn270Asp; replaces asparagine 270 with aspartic acid.
Molecular consequence: missense variant.
Genome position (GRCh38, 1-based): chr10:62,813,830, T>C on the plus strand (A>G on the coding strand, the complement: EGR2 is on the minus strand). VCF-style: chr10-62813830-T-C. GRCh37 (hg19) VCF-style: chr10-64573590-T-C.
Other names: c.808A>G, p.Asn270Asp (NM_001136177.3, NM_001136178.2); c.658A>G, p.Asn220Asp (NM_001136179.3, NM_001321037.2); c.847A>G, p.Asn283Asp (NM_001410931.1); short protein forms N283D, N270D, N220D.
Identifiers: ClinVar variation 2001628 (VCV002001628.4), dbSNP rs1231127548, ClinGen allele CA377028750.

ClinVar aggregate classification (germline): Uncertain significance (1 of 4 stars; one submission).

Conditions:
Charcot-Marie-Tooth disease, type I (CMT1). Also called: Charcot-Marie-Tooth, Type 1; Charcot-Marie-Tooth disease type 1. Identifiers: Orphanet 65753, MedGen C0751036, MONDO:0019011.

Allele frequency attached by ClinVar (database versions not stated): gnomAD exomes below 0.00001; TOPMed below 0.00001.

Submission:

Labcorp Genetics (formerly Invitae), Labcorp
Classification: Uncertain significance for Charcot-Marie-Tooth disease, type I. Last evaluated: 2022-06-01. Review status: criteria provided, single submitter. Criteria: Invitae Variant Classification Sherloc (09022015). Collection method: clinical testing. Allele origin: germline.
Comment: This sequence change replaces asparagine, which is neutral and polar, with aspartic acid, which is acidic and polar, at codon 270 of the EGR2 protein (p.Asn270Asp). This variant is not present in population databases (gnomAD no frequency). This variant has not been reported in the literature in individuals affected with EGR2-related conditions. Algorithms developed to predict the effect of missense changes on protein structure and function are either unavailable or do not agree on the potential impact of this missense change (SIFT: "Not Available"; PolyPhen-2: "Possibly Damaging"; Align-GVGD: "Not Available"). In summary, the available evidence is currently insufficient to determine the role of this variant in disease. Therefore, it has been classified as a Variant of Uncertain Significance.